The following is an entry in ClinVar:

NM_016239.4(MYO15A):c.6503T>G (p.Leu2168Arg)

Gene: MYO15A (myosin XVA; plus strand). Cytogenetic location: 17p11.2.
Variant type: single nucleotide variant.
Coding change: c.6503T>G on transcript NM_016239.4 (MANE Select); coding-DNA position 6503, T replaced by G.
Protein change: p.Leu2168Arg; replaces leucine 2168 with arginine.
Molecular consequence: missense variant.
Genome position (GRCh38, 1-based): chr17:18,146,101, T>G. VCF-style: chr17-18146101-T-G. GRCh37 (hg19) VCF-style: chr17-18049415-T-G.
Other names: short protein forms L2168R.
Identifiers: ClinVar variation 623382 (VCV000623382.4), dbSNP rs1567648703, ClinGen allele CA398607490.
Genomic context (GRCh38, chr17:18,146,101, plus strand): 5'-GGCTGCTGCTGGCCGCCTGCCTCAGTGGCTTTGCACCTTCCCCGTGCTTCAACAAGTACC[T>G]TCTCAAGTGAGTGGGACTGGATAGGGGCTGGGACACGAGGGACGGTGGCACCAGCAGTGG-3'
Protein context (NP_057323.3, residues 2158-2178): FAPSPCFNKY[Leu2168Arg]LKFVSDYGRN

ClinVar aggregate classification (germline): Conflicting classifications of pathogenicity. Review status: criteria provided, conflicting classifications (1 of 4 stars). 2 submissions from 2 submitters: Pathogenic (1); Uncertain significance (1). Last evaluated 2021-03-05.

Conditions:
Autosomal recessive nonsyndromic hearing loss 3. Also called: NEUROSENSORY NONSYNDROMIC RECESSIVE DEAFNESS 3. Identifiers: Orphanet 90636, MedGen C1838263, MONDO:0010860, OMIM 600316.

Allele frequency attached by ClinVar (database versions not stated): gnomAD exomes below 0.00001.
gnomAD v4.1: 1 of 1,613,848 alleles (0.000062%); highest among the groups gnomAD compares: Middle Eastern, 0.016%; no homozygotes.

Submissions (2):

GeneDx
Classification: Uncertain significance. Last evaluated: 2021-03-05. Review status: criteria provided, single submitter. Criteria: GeneDx Variant Classification Process June 2021. Collection method: clinical testing. Allele origin: germline. Affected: yes.
Comment: Not observed in large population cohorts (Lek et al., 2016); In silico analysis, which includes protein predictors and evolutionary conservation, supports a deleterious effect; Has not been previously published as pathogenic or benign to our knowledge

Department of Genetics, Sultan Qaboos University Hospital
Classification: Pathogenic for Autosomal recessive nonsyndromic hearing loss 3. Last evaluated: 2017-12-30. Review status: criteria provided, single submitter. Criteria: ACMG Guidelines, 2015. Collection method: curation. Allele origin: unknown. Affected: yes.